The following is an entry in ClinVar:

ClinVar aggregate classification (germline): Uncertain significance (1 of 4 stars; one submission).

Submission:

Ambry Genetics
Classification: Uncertain significance. Last evaluated: 2021-11-30. Review status: criteria provided, single submitter. Criteria: Ambry Variant Classification Scheme 2023. Collection method: clinical testing. Allele origin: germline.
Comment: The p.G774V variant (also known as c.2321G>T), located in coding exon 12 of the PALLD gene, results from a G to T substitution at nucleotide position 2321. The glycine at codon 774 is replaced by valine, an amino acid with dissimilar properties. This amino acid position is conserved. In addition, this alteration is predicted to be tolerated by in silico analysis. Since supporting evidence is limited at this time, the clinical significance of this alteration remains unclear.

NM_001166108.2(PALLD):c.2372G>T (p.Gly791Val)

Genes: CBR4 (carbonyl reductase 4; minus strand), PALLD (palladin, cytoskeletal associated protein; plus strand). Cytogenetic location: 4q32.3.
Variant type: single nucleotide variant.
Coding change: c.2372G>T on transcript NM_001166108.2 (MANE Select); coding-DNA position 2372, G replaced by T.
Protein change: p.Gly791Val; replaces glycine 791 with valine.
Molecular consequence: missense variant.
Genome position (GRCh38, 1-based): chr4:168,898,614, G>T. VCF-style: chr4-168898614-G-T. GRCh37 (hg19) VCF-style: chr4-169819765-G-T.
Other names: c.1175G>T, p.Gly392Val (NM_001166109.2); c.860G>T, p.Gly287Val (NM_001166110.2); c.200G>T, p.Gly67Val (NM_001367567.1, NM_001367569.1); c.251G>T, p.Gly84Val (NM_001367568.1, NM_001367570.1); c.2321G>T, p.Gly774Val (NM_016081.4); short protein forms G67V, G84V, G287V, G392V, G774V, G791V.
Identifiers: ClinVar variation 1789585 (VCV001789585.2), dbSNP rs2533734754, ClinGen allele CA358798986.